The following is an entry in ClinVar:

NM_000147.4(FUCA1):c.-86T>G

Gene: FUCA1 (alpha-L-fucosidase 1; minus strand). Cytogenetic location: 1p36.11.
Variant type: single nucleotide variant.
Coding change: c.-86T>G on transcript NM_000147.4; 86 bases upstream of the start codon, T replaced by G.
Genome position (GRCh38, 1-based): chr1:23,868,372, A>C on the plus strand (T>G on the coding strand, the complement: FUCA1 is on the minus strand). VCF-style: chr1-23868372-A-C. GRCh37 (hg19) VCF-style: chr1-24194862-A-C.
Identifiers: ClinVar variation 368872 (VCV000368872.8), dbSNP rs2070953, ClinGen allele CA10654441.

ClinVar aggregate classification (germline): Benign/Likely benign. Review status: criteria provided, multiple submitters, no conflicts (2 of 4 stars). 2 submissions from 2 submitters: Benign (1); Likely benign (1). Last evaluated 2018-06-19.

Allele frequency attached by ClinVar (database versions not stated): gnomAD 0.10765 and 0.10497; TOPMed 0.11227; 1000 Genomes Project 30x 0.14257; 1000 Genomes Project 0.14277; gnomAD exomes 0.09363.

Submissions (2):

GeneDx
Classification: Benign. Last evaluated: 2018-06-19. Review status: criteria provided, single submitter. Criteria: GeneDx Variant Classification (06012015). Collection method: clinical testing. Allele origin: germline. Affected: yes.
Comment: This variant is considered likely benign or benign based on one or more of the following criteria: it is a conservative change, it occurs at a poorly conserved position in the protein, it is predicted to be benign by multiple in silico algorithms, and/or has population frequency not consistent with disease.

Breakthrough Genomics
Classification: Likely benign. Review status: criteria provided, single submitter. Criteria: ACMG Guidelines, 2015. Collection method: not provided. Allele origin: germline. Inheritance: Autosomal recessive inheritance. Affected: yes.